The following is an entry in ClinVar:

NC_000007.13:g.(?_55086755)_(55274084_?)dup

Gene: EGFR (epidermal growth factor receptor; plus strand). Cytogenetic location: 7p11.2.
Variant type: Duplication.
Identifiers: ClinVar variation 1411342 (VCV001411342.4).

ClinVar aggregate classification (germline): Uncertain significance (1 of 4 stars; one submission).

Conditions:
EGFR-related lung cancer (EGFR). Identifiers: MedGen CN130014.

Submission:

Labcorp Genetics (formerly Invitae), Labcorp
Classification: Uncertain significance for EGFR-related lung cancer. Last evaluated: 2022-09-20. Review status: criteria provided, single submitter. Criteria: Invitae Variant Classification Sherloc (09022015). Collection method: clinical testing. Allele origin: germline.
Comment: A copy number gain of the genomic region encompassing the full coding sequence of the EGFR gene has been identified. The boundaries of this event are unknown as they extend beyond the assayed region for this gene and therefore may encompass additional genes. As the precise location of this event is unknown, it may be in tandem or it may be located elsewhere in the genome. This variant has not been reported in the literature in individuals affected with EGFR-related conditions. Experimental studies and prediction algorithms are not available or were not evaluated, and the functional significance of this variant is currently unknown. In summary, the available evidence is currently insufficient to determine the role of this variant in disease. Therefore, it has been classified as a Variant of Uncertain Significance.